The following is an entry in ClinVar:

ClinVar aggregate classification (germline): Benign. Review status: criteria provided, multiple submitters, no conflicts (2 of 4 stars). 3 submissions from 3 submitters: Benign (3). Last evaluated 2018-06-18.

Conditions:
Arrhythmogenic right ventricular dysplasia 9 (ARVD9). Also called: Arrhythmogenic Right Ventricular Dysplasia/Cardiomyopathy 9; ARRHYTHMOGENIC RIGHT VENTRICULAR DYSPLASIA, FAMILIAL, 9. Identifiers: MedGen C1836906, MONDO:0012180, OMIM 609040.

Allele frequency attached by ClinVar (database versions not stated): 1000 Genomes Project 30x 0.46299; gnomAD exomes 0.58738; gnomAD 0.59813 and 0.61058; 1000 Genomes Project 0.45108; TOPMed 0.58368.
gnomAD v4.1: 309,294 of 523,440 alleles (59%); highest among the groups gnomAD compares: Non-Finnish European, 67%; 96,672 homozygotes.

Submissions (3):

GeneDx
Classification: Benign. Last evaluated: 2018-06-18. Review status: criteria provided, single submitter. Criteria: GeneDx Variant Classification Process June 2021. Collection method: clinical testing. Allele origin: germline. Affected: yes.

Illumina Laboratory Services, Illumina
Classification: Benign for Arrhythmogenic right ventricular dysplasia 9. Last evaluated: 2018-01-12. Review status: criteria provided, single submitter. Criteria: ICSL Variant Classification Criteria 13 December 2019. Collection method: clinical testing. Allele origin: germline.
Comment: This variant was observed in the ICSL laboratory as part of a predisposition screen in an ostensibly healthy population. It had not been previously curated by ICSL or reported in the Human Gene Mutation Database (HGMD: prior to June 1st, 2018), and was therefore a candidate for classification through an automated scoring system. Utilizing variant allele frequency, disease prevalence and penetrance estimates, and inheritance mode, an automated score was calculated to assess if this variant is too frequent to cause the disease. Based on the score and internal cut-off values, a variant classified as benign is not then subjected to further curation. The score for this variant resulted in a classification of benign for this disease.

Breakthrough Genomics
Classification: Benign. Review status: criteria provided, single submitter. Criteria: ACMG Guidelines, 2015. Collection method: not provided. Allele origin: germline. Inheritance: Autosomal dominant inheritance. Affected: yes.

NM_001005242.3(PKP2):c.*251C>G

Gene: PKP2 (plakophilin 2; minus strand). Cytogenetic location: 12p11.21.
Variant type: single nucleotide variant.
Coding change: c.*251C>G on transcript NM_001005242.3 (MANE Select); 251 bases downstream of the stop codon, C replaced by G.
Molecular consequence: 3 prime UTR variant.
Genome position (GRCh38, 1-based): chr12:32,792,173, G>C on the plus strand (C>G on the coding strand, the complement: PKP2 is on the minus strand). VCF-style: chr12-32792173-G-C. GRCh37 (hg19) VCF-style: chr12-32945107-G-C.
Other names: c.*251C>G (NM_004572.4).
Identifiers: ClinVar variation 308497 (VCV000308497.9), dbSNP rs12612, ClinGen allele CA10642003.